The following is an entry in ClinVar:

ClinVar aggregate classification (germline): Pathogenic (1 of 4 stars; one submission).

Conditions:
Aicardi-Goutieres syndrome 5. Identifiers: Orphanet 51, MedGen C2749659, MONDO:0013059, OMIM 612952.

Allele frequency attached by ClinVar (database versions not stated): gnomAD exomes below 0.00001; TOPMed below 0.00001; ExAC 0.00001; gnomAD 0.00001.
gnomAD v4.1: 2 of 1,613,860 alleles (0.00012%); highest among the groups gnomAD compares: Non-Finnish European, 0.00017%; no homozygotes.

Submission:

Labcorp Genetics (formerly Invitae), Labcorp
Classification: Pathogenic for Aicardi-Goutieres syndrome 5. Last evaluated: 2021-12-27. Review status: criteria provided, single submitter. Criteria: Invitae Variant Classification Sherloc (09022015). Collection method: clinical testing. Allele origin: germline.
Comment: For these reasons, this variant has been classified as Pathogenic. This variant has not been reported in the literature in individuals affected with SAMHD1-related conditions. This variant is present in population databases (rs754917229, gnomAD 0.002%). This sequence change creates a premature translational stop signal (p.Glu193*) in the SAMHD1 gene. It is expected to result in an absent or disrupted protein product. Loss-of-function variants in SAMHD1 are known to be pathogenic (PMID: 19525956, 22461318).

Literature cited by the submitters: PubMed 19525956; PubMed 22461318.

NM_015474.4(SAMHD1):c.577G>T (p.Glu193Ter)

Gene: SAMHD1 (SAM and HD domain containing deoxynucleoside triphosphate triphosphohydrolase 1; minus strand). Cytogenetic location: 20q11.23.
Variant type: single nucleotide variant.
Coding change: c.577G>T on transcript NM_015474.4 (MANE Select); coding-DNA position 577, G replaced by T.
Protein change: p.Glu193Ter; replaces glutamic acid 193 with a stop codon.
Molecular consequence: nonsense.
Genome position (GRCh38, 1-based): chr20:36,930,808, C>A on the plus strand (G>T on the coding strand, the complement: SAMHD1 is on the minus strand). VCF-style: chr20-36930808-C-A. GRCh37 (hg19) VCF-style: chr20-35559211-C-A.
Other names: c.577G>T, p.Glu193Ter (NM_001363729.2, NM_001363733.2); short protein forms E193*.
Identifiers: ClinVar variation 2061632 (VCV002061632.4), dbSNP rs754917229, ClinGen allele CA9844705.
Genomic context (GRCh38, chr20:36,930,808, plus strand): 5'-TGTACAGCTTACCGAGATCATGACAAAGTCCAGCAATCTGAACACAGAGAACATCTCGTT[C>A]ACTTATCTGCAGCTCTGGTTGTTTTTCACCCAGTGCGTGAACTAGACATCCTGCTAGATA-3'